The following is an entry in ClinVar:

ClinVar aggregate classification (germline): Pathogenic/Likely pathogenic. Review status: criteria provided, multiple submitters, no conflicts (2 of 4 stars). 3 submissions from 3 submitters: Pathogenic (2); Likely pathogenic (1). Last evaluated 2026-05-05.

Conditions:
RPGRIP1L-related disorder. Also called: RPGRIP1L-related disorders; RPGRIP1L-related condition. Identifiers: MedGen CN239416.
Joubert syndrome. Also called: JOUBERT-BOLTSHAUSER SYNDROME; Familial aplasia of the vermis. Identifiers: Orphanet 475, MedGen C5979921, MONDO:0018772.
Meckel-Gruber syndrome. Also called: DYSENCEPHALIA SPLANCHNOCYSTICA; GRUBER SYNDROME; Dysencephalia splachnocystica. Identifiers: Orphanet 564, MedGen C0265215, MONDO:0018921.

Submissions (3):

PreventionGenetics, part of Exact Sciences
Classification: Likely pathogenic for RPGRIP1L-related condition. Last evaluated: 2026-05-05. Review status: criteria provided, single submitter. Criteria: ACMG Guidelines, 2015. Collection method: clinical testing. Allele origin: germline.
Comment: The RPGRIP1L c.1421dupA variant is predicted to result in a frameshift and premature protein termination (p.Asn474Lysfs*12). To our knowledge, this variant has not been reported in the literature in individuals with disease. This variant is present in 0.021% of alleles in individuals of East Asian descent in gnomAD. Frameshift variants in RPGRIP1L are an established mechanism of disease. This variant is interpreted as likely pathogenic.

Natera, Inc.
Classification: Pathogenic for Joubert syndrome. Last evaluated: 2025-03-17. Review status: criteria provided, single submitter. Criteria: Natera Variant Classification Schema (03/2026). Collection method: clinical testing. Allele origin: germline.
Comment: The c.1421dupA variant in RPGRIP1L is a frameshift variant predicted to shift the reading frame beginning at codon 474 and leads to a stop codon 12 codons downstream. This variant is expected to result in nonsense mediated decay, truncation, or a dysfunctional protein product. This variant is rare in the general population with a frequency below the threshold expected for the associated phenotype(s). This variant has been observed in one or more individuals affected with the associated recessive disease, as either homozygous or compound heterozygous with a second variant (PMID: 33255631). Given the available evidence, this variant is classified as Pathogenic.

Labcorp Genetics (formerly Invitae), Labcorp
Classification: Pathogenic for Joubert syndrome; Meckel-Gruber syndrome. Last evaluated: 2023-12-01. Review status: criteria provided, single submitter. Criteria: Invitae Variant Classification Sherloc (09022015). Collection method: clinical testing. Allele origin: germline.
Comment: This sequence change creates a premature translational stop signal (p.Asn474Lysfs*12) in the RPGRIP1L gene. It is expected to result in an absent or disrupted protein product. Loss-of-function variants in RPGRIP1L are known to be pathogenic (PMID: 17558409). The frequency data for this variant in the population databases is considered unreliable, as metrics indicate poor data quality at this position in the gnomAD database. This variant has not been reported in the literature in individuals affected with RPGRIP1L-related conditions. ClinVar contains an entry for this variant (Variation ID: 1453393). For these reasons, this variant has been classified as Pathogenic.

Literature cited by the submitters: PubMed 33255631 (cited by Natera, Inc.); PubMed 17558409 (cited by Labcorp Genetics (formerly Invitae), Labcorp).

NM_015272.5(RPGRIP1L):c.1421dup (p.Asn474fs)

Gene: RPGRIP1L (RPGRIP1 like; minus strand). Cytogenetic location: 16q12.2.
Variant type: Duplication.
Coding change: c.1421dup on transcript NM_015272.5 (MANE Select); coding-DNA position 1421, one base duplicated (A; older notation c.1421dupA).
Protein change: p.Asn474fs; shifts the reading frame from asparagine 474.
Molecular consequence: frameshift variant.
Genome position (GRCh38, 1-based): chr16:53,657,613, T duplicated on the plus strand (A on the coding strand, the reverse complement: RPGRIP1L is on the minus strand); the first of 7 consecutive T bases (chr16:53,657,613-53,657,619); duplicating any one gives the same sequence. VCF-style (leftmost placement, unchanged base first): chr16-53657612-A-AT. GRCh37 (hg19) VCF-style: chr16-53691524-A-AT.
Other names: c.1421dup, p.Asn474fs (NM_001127897.4, NM_001308334.3, NM_001330538.2); c.1421dupA (NM_015272.4); short protein forms N474fs.
Identifiers: ClinVar variation 1453393 (VCV001453393.8), dbSNP rs760952407, ClinGen allele CA8057794.
Genomic context (GRCh38, chr16:53,657,612, plus strand): 5'-AGAGCGTTCTAGATCTTTATTAATTTCACTATCTACTTTCACTAAAAAGGAAAGGTCTCC[A>AT]TTTTTTTGTTCTTTTTGAGCCTAAAATAAAAAACATGTTTTATGACTGAAACAAAAATTT-3'